The following is an entry in ClinVar:

ClinVar aggregate classification (germline): Benign/Likely benign. Review status: criteria provided, multiple submitters, no conflicts (2 of 4 stars). 7 submissions from 7 submitters: Benign (4); Likely benign (2). 1 of the submissions does not count toward it. Last evaluated 2026-08-01.

Conditions:
OTULIN-related disorder. Also called: OTULIN-related condition.

Allele frequency attached by ClinVar (database versions not stated): 1000 Genomes Project 0.00220; 1000 Genomes Project 30x 0.00234; gnomAD 0.00528 and 0.00531; TOPMed 0.00592; ExAC 0.00653; ESP Exome Variant Server 0.00655; gnomAD exomes 0.00657 and 0.00660.
gnomAD v4.1: 10,530 of 1,612,558 alleles (0.65%); highest among the groups gnomAD compares: Middle Eastern, 3.5%; 76 homozygotes.

Submissions (7):

CeGaT Center for Human Genetics Tuebingen
Classification: Likely benign. Last evaluated: 2026-08-01. Review status: criteria provided, single submitter. Criteria: CeGaT Center For Human Genetics Tuebingen Variant Classification Criteria Version 2. Collection method: clinical testing. Allele origin: germline. Affected: yes. Observed: 49 variant alleles.
Comment: OTULIN: BS2

Women's Health and Genetics/Laboratory Corporation of America, LabCorp
Classification: Benign. Last evaluated: 2026-02-12. Review status: criteria provided, single submitter. Criteria: LabCorp Variant Classification Summary - May 2015. Collection method: clinical testing. Allele origin: germline.
Comment: Variant summary: OTULIN c.345G>T (p.Gln115His) results in a non-conservative amino acid change in the encoded protein sequence. Algorithms developed to predict the effect of missense changes on protein structure and function are either unavailable or do not agree on the potential impact of this missense change. The variant allele was found at a frequency of 0.0066 in 247450 control chromosomes in the gnomAD database, including 18 homozygotes. The observed variant frequency exceeds the estimated maximal expected allele frequency for disease-causing variants in OTULIN. To our knowledge, no occurrence of c.345G>T in individuals affected with OTULIN-related conditions and no experimental evidence demonstrating its impact on protein function have been reported. ClinVar contains an entry for this variant (Variation ID: 781624). Based on the evidence outlined above, the variant was classified as benign.

Labcorp Genetics (formerly Invitae), Labcorp
Classification: Benign. Last evaluated: 2026-02-01. Review status: criteria provided, single submitter. Criteria: Invitae Variant Classification Sherloc (09022015). Collection method: clinical testing. Allele origin: germline.

Blueprint Genetics
Classification: Likely benign. Last evaluated: 2024-11-26. Review status: criteria provided, single submitter. Criteria: ACMG Guidelines, 2015. Collection method: clinical testing. Allele origin: germline.

Mayo Clinic Laboratories, Mayo Clinic
Classification: Benign. Last evaluated: 2023-11-17. Review status: criteria provided, single submitter. Criteria: ACMG Guidelines, 2015. Collection method: clinical testing. Allele origin: germline. Observed: 9 variant alleles.
Comment: BS1, BS2, BP4

Breakthrough Genomics
Classification: Benign. Review status: criteria provided, single submitter. Criteria: ACMG Guidelines, 2015. Collection method: not provided. Allele origin: germline. Inheritance: Autosomal recessive inheritance. Affected: yes.

PreventionGenetics, part of Exact Sciences
Classification: Likely benign for OTULIN-related condition. Last evaluated: 2020-02-28. Review status: no assertion criteria provided. Collection method: clinical testing. Allele origin: germline. Not counted in ClinVar's aggregate classification.
Comment: This variant is classified as likely benign based on ACMG/AMP sequence variant interpretation guidelines (Richards et al. 2015 PMID: 25741868, with internal and published modifications).

NM_138348.6(OTULIN):c.345G>T (p.Gln115His)

Gene: OTULIN (OTU deubiquitinase with linear linkage specificity; plus strand). Cytogenetic location: 5p15.2.
Variant type: single nucleotide variant.
Coding change: c.345G>T on transcript NM_138348.6 (MANE Select); coding-DNA position 345, G replaced by T.
Protein change: p.Gln115His; replaces glutamine 115 with histidine.
Molecular consequence: missense variant.
Genome position (GRCh38, 1-based): chr5:14,681,484, G>T. VCF-style: chr5-14681484-G-T. GRCh37 (hg19) VCF-style: chr5-14681593-G-T.
Other names: p.Gln115His; c.345G>T (NM_138348.5); short protein forms Q115H.
Identifiers: ClinVar variation 781624 (VCV000781624.47), dbSNP rs147790160, ClinGen allele CA3208589.